The following is an entry in ClinVar:

ClinVar aggregate classification (germline): Uncertain significance (1 of 4 stars; one submission).

Submission:

Women's Health and Genetics/Laboratory Corporation of America, LabCorp
Classification: Uncertain significance. Last evaluated: 2023-05-02. Review status: criteria provided, single submitter. Criteria: LabCorp Variant Classification Summary - May 2015. Collection method: clinical testing. Allele origin: germline.
Comment: Variant summary: The variant identified by MLPA or other technology involves the duplication of exons 46-48 in the HERC2 gene. A presumed nomenclature of c.(7212+1_7213-1)_(7716+1_7717-1)dup has been designated for the purposes of this classification. It has been assumed that this is a tandem duplication in direct orientation (Richardson_GIM_2018, Newman_AJHG_2015). Although exact breakpoints of this duplication are not known, it is expected to result in a large in-frame duplication in the HERC2 gene. The variant was absent in 21694 control chromosomes (gnomAD, structural variants dataset). The available data on variant occurrences in the general population are insufficient to allow any conclusion about variant significance. To our knowledge, no occurrence of c.(7212+1_7213-1)_(7716+1_7717-1)dup in individuals affected with Intellectual Developmental Disorder, Autosomal Recessive 38 and no experimental evidence demonstrating its impact on protein function have been reported. No clinical diagnostic laboratories have submitted clinical-significance assessments for this variant to ClinVar after 2014. Based on the evidence outlined above, the variant was classified as uncertain significance.

NC_000015.9:g.(28443916_28446601)_(28447761_28451385)dup

Gene: HERC2 (HECT and RLD domain containing E3 ubiquitin protein ligase 2; minus strand). Cytogenetic location: 15q13.1.
Variant type: Duplication.
Identifiers: ClinVar variation 2506307 (VCV002506307.1).